The following is an entry in ClinVar:

ClinVar aggregate classification (germline): Uncertain significance (1 of 4 stars; one submission).

Submission:

GeneDx
Classification: Uncertain significance. Last evaluated: 2023-01-16. Review status: criteria provided, single submitter. Criteria: GeneDx Variant Classification Process June 2021. Collection method: clinical testing. Allele origin: germline. Affected: yes.
Comment: Not observed at significant frequency in large population cohorts (gnomAD); In silico analysis supports that this missense variant has a deleterious effect on protein structure/function; Has not been previously published as pathogenic or benign to our knowledge

NM_001252102.2(KIF21B):c.2079C>A (p.Ser693Arg)

Gene: KIF21B (kinesin family member 21B; minus strand). Cytogenetic location: 1q32.1.
Variant type: single nucleotide variant.
Coding change: c.2079C>A on transcript NM_001252102.2 (MANE Select); coding-DNA position 2079, C replaced by A.
Protein change: p.Ser693Arg; replaces serine 693 with arginine.
Molecular consequence: missense variant.
Genome position (GRCh38, 1-based): chr1:200,996,394, G>T on the plus strand (C>A on the coding strand, the complement: KIF21B is on the minus strand). VCF-style: chr1-200996394-G-T. GRCh37 (hg19) VCF-style: chr1-200965522-G-T.
Other names: c.2079C>A, p.Ser693Arg (NM_001252100.2, NM_001252103.2, NM_017596.4); short protein forms S693R.
Identifiers: ClinVar variation 2572693 (VCV002572693.1), dbSNP rs1657070675, ClinGen allele CA344145687.